The following is an entry in ClinVar:

ClinVar aggregate classification (germline): Uncertain significance (1 of 4 stars; one submission).

Conditions:
Developmental and epileptic encephalopathy, 23 (DEE23). Also called: Epileptic encephalopathy, early infantile, 23. Identifiers: Orphanet 411986, MedGen C4014492, MONDO:0014371, OMIM 615859.

Allele frequency attached by ClinVar (database versions not stated): gnomAD exomes below 0.00001.
gnomAD v4.1: 1 of 1,613,528 alleles (0.000062%); highest among the groups gnomAD compares: Non-Finnish European, 0.000085%; no homozygotes.

Submission:

Labcorp Genetics (formerly Invitae), Labcorp
Classification: Uncertain significance for Developmental and epileptic encephalopathy, 23. Last evaluated: 2022-05-13. Review status: criteria provided, single submitter. Criteria: Invitae Variant Classification Sherloc (09022015). Collection method: clinical testing. Allele origin: germline.
Comment: This sequence change replaces alanine, which is neutral and non-polar, with valine, which is neutral and non-polar, at codon 1202 of the DOCK7 protein (p.Ala1202Val). This variant is not present in population databases (gnomAD no frequency). This variant has not been reported in the literature in individuals affected with DOCK7-related conditions. Algorithms developed to predict the effect of missense changes on protein structure and function (SIFT, PolyPhen-2, Align-GVGD) all suggest that this variant is likely to be tolerated. In summary, the available evidence is currently insufficient to determine the role of this variant in disease. Therefore, it has been classified as a Variant of Uncertain Significance.

NM_001367561.1(DOCK7):c.3605C>T (p.Ala1202Val)

Gene: DOCK7 (dedicator of cytokinesis 7; minus strand). Cytogenetic location: 1p31.3.
Variant type: single nucleotide variant.
Coding change: c.3605C>T on transcript NM_001367561.1 (MANE Select); coding-DNA position 3605, C replaced by T.
Protein change: p.Ala1202Val; replaces alanine 1202 with valine.
Molecular consequence: missense variant.
Genome position (GRCh38, 1-based): chr1:62,535,499, G>A on the plus strand (C>T on the coding strand, the complement: DOCK7 is on the minus strand). VCF-style: chr1-62535499-G-A. GRCh37 (hg19) VCF-style: chr1-63001170-G-A.
Other names: c.3605C>T, p.Ala1202Val (NM_001271999.2, NM_001330614.2); c.3512C>T, p.Ala1171Val (NM_001272000.2, NM_001272001.2, NM_033407.4); short protein forms A1202V, A1171V.
Identifiers: ClinVar variation 1897625 (VCV001897625.2), dbSNP rs2524716718, ClinGen allele CA340604349.
Genomic context (GRCh38, chr1:62,535,499, plus strand): 5'-TCCACTGTTCAAAATCAAACTCATATTCTACAAGGTAAAAACTAGTGTACTCACCCTTCA[G>A]CATCAGGGTCTAAAATGACAGCCAGCTCTGTTAACACAAGTCCTGCCAAATAATGCTGTT-3'
Protein context (NP_001354490.1, residues 1192-1212): TELAVILDPD[Ala1202Val]EGLFGLHKKV